The following is an entry in ClinVar:

ClinVar aggregate classification (germline): Uncertain significance. Review status: criteria provided, multiple submitters, no conflicts (2 of 4 stars). 2 submissions from 2 submitters: Uncertain significance (2). Last evaluated 2025-03-12.

Conditions:
Hereditary cancer-predisposing syndrome. Also called: Hereditary neoplastic syndrome; Neoplastic Syndromes, Hereditary; Tumor predisposition; Hereditary Cancer Syndrome. Identifiers: Orphanet 140162, MedGen C0027672, MeSH D009386, MONDO:0015356.
Neuroblastoma, susceptibility to, 3. Also called: ALK-Related Neuroblastic Tumor Susceptibility. Identifiers: Orphanet 635, MedGen C2751681, MONDO:0013083, OMIM 613014.

Allele frequency attached by ClinVar (database versions not stated): TOPMed below 0.00001; ExAC 0.00001; gnomAD 0.00001; gnomAD exomes 0.00001.
gnomAD v4.1: 9 of 1,614,048 alleles (0.00056%); highest among the groups gnomAD compares: East Asian, 0.0045%; no homozygotes.

Submissions (2):

Labcorp Genetics (formerly Invitae), Labcorp
Classification: Uncertain significance for Neuroblastoma, susceptibility to, 3. Last evaluated: 2025-03-12. Review status: criteria provided, single submitter. Criteria: Invitae Variant Classification Sherloc (09022015). Collection method: clinical testing. Allele origin: germline.
Comment: This sequence change replaces valine, which is neutral and non-polar, with methionine, which is neutral and non-polar, at codon 712 of the ALK protein (p.Val712Met). This variant is present in population databases (rs78723472, gnomAD 0.002%). This variant has not been reported in the literature in individuals affected with ALK-related conditions. ClinVar contains an entry for this variant (Variation ID: 1045813). An algorithm developed to predict the effect of missense changes on protein structure and function (PolyPhen-2) suggests that this variant is likely to be tolerated. In summary, the available evidence is currently insufficient to determine the role of this variant in disease. Therefore, it has been classified as a Variant of Uncertain Significance.

Ambry Genetics
Classification: Uncertain significance for Hereditary cancer-predisposing syndrome. Last evaluated: 2024-03-24. Review status: criteria provided, single submitter. Criteria: Ambry Variant Classification Scheme 2023. Collection method: clinical testing. Allele origin: germline.
Comment: The p.V712M variant (also known as c.2134G>A), located in coding exon 12 of the ALK gene, results from a G to A substitution at nucleotide position 2134. The valine at codon 712 is replaced by methionine, an amino acid with highly similar properties. This amino acid position is conserved. In addition, the in silico prediction for this alteration is inconclusive. Since supporting evidence is limited at this time, the clinical significance of this alteration remains unclear.

NM_004304.5(ALK):c.2134G>A (p.Val712Met)

Gene: ALK (ALK receptor tyrosine kinase; minus strand). Cytogenetic location: 2p23.2.
Variant type: single nucleotide variant.
Coding change: c.2134G>A on transcript NM_004304.5 (MANE Select); coding-DNA position 2134, G replaced by A.
Protein change: p.Val712Met; replaces valine 712 with methionine.
Molecular consequence: missense variant.
Genome position (GRCh38, 1-based): chr2:29,251,175, C>T on the plus strand (G>A on the coding strand, the complement: ALK is on the minus strand). VCF-style: chr2-29251175-C-T. GRCh37 (hg19) VCF-style: chr2-29474041-C-T.
Other names: short protein forms V712M.
Identifiers: ClinVar variation 1045813 (VCV001045813.10), dbSNP rs78723472, ClinGen allele CA1594429.